The following is an entry in ClinVar:

NM_001903.5(CTNNA1):c.1003G>T (p.Ala335Ser)

Gene: CTNNA1 (catenin alpha 1; plus strand). Cytogenetic location: 5q31.2.
Variant type: single nucleotide variant.
Coding change: c.1003G>T on transcript NM_001903.5 (MANE Select); coding-DNA position 1003, G replaced by T.
Protein change: p.Ala335Ser; replaces alanine 335 with serine.
Molecular consequence: missense variant.
Genome position (GRCh38, 1-based): chr5:138,827,659, G>T. VCF-style: chr5-138827659-G-T. GRCh37 (hg19) VCF-style: chr5-138163348-G-T.
Other names: c.1003G>T, p.Ala335Ser (NM_001290307.3, NM_001323982.2, NM_001323983.1 and 3 more transcripts); c.694G>T, p.Ala232Ser (NM_001290309.3); c.634G>T, p.Ala212Ser (NM_001290310.3); short protein forms A232S, A212S, A335S.
Identifiers: ClinVar variation 1436099 (VCV001436099.8), dbSNP rs2149785930, ClinGen allele CA361131128.

ClinVar aggregate classification (germline): Uncertain significance (1 of 4 stars; one submission).

Submission:

Labcorp Genetics (formerly Invitae), Labcorp
Classification: Uncertain significance. Last evaluated: 2021-04-30. Review status: criteria provided, single submitter. Criteria: Invitae Variant Classification Sherloc (09022015). Collection method: clinical testing. Allele origin: germline.
Comment: In summary, the available evidence is currently insufficient to determine the role of this variant in disease. Therefore, it has been classified as a Variant of Uncertain Significance. This sequence change replaces alanine with serine at codon 335 of the CTNNA1 protein (p.Ala335Ser). The alanine residue is highly conserved and there is a moderate physicochemical difference between alanine and serine. This variant is not present in population databases (ExAC no frequency). This variant has not been reported in the literature in individuals with CTNNA1-related conditions. Algorithms developed to predict the effect of missense changes on protein structure and function are either unavailable or do not agree on the potential impact of this missense change (SIFT: "Deleterious"; PolyPhen-2: "Possibly Damaging"; Align-GVGD: "Class C0").